The following is an entry in ClinVar:

ClinVar aggregate classification (germline): Pathogenic. Review status: criteria provided, multiple submitters, no conflicts (2 of 4 stars). 24 submissions from 24 submitters: Pathogenic (17). 7 of the submissions do not count toward it. Last evaluated 2026-08-06.

Conditions:
RIT1-related disorder. Also called: RIT1-related condition.
Noonan syndrome and Noonan-related syndrome. Identifiers: Orphanet 98733, MedGen C5681679, MONDO:0020297.
Cardiovascular phenotype. Identifiers: MedGen CN230736.
Noonan syndrome 8 (NS8). Identifiers: Orphanet 648, MedGen C3809233, MONDO:0014143, OMIM 615355.
RASopathy. Also called: rasopathies; Noonan spectrum disorder. Identifiers: Orphanet 536391, MedGen C5555857, MONDO:0021060.
Noonan syndrome (NS). Also called: Noonan's syndrome. Identifiers: Orphanet 648, MedGen C0028326, MeSH D009634, MONDO:0018997. Disease mechanism: gain of function.
Noonan syndrome 1 (NS1). Also called: TURNER PHENOTYPE WITH NORMAL KARYOTYPE; FEMALE PSEUDO-TURNER SYNDROME; PTPN11-Related Noonan Syndrome. Identifiers: Orphanet 648, MedGen C4551602, MONDO:0008104, OMIM 163950. Disease mechanism: gain of function.

gnomAD v4.1: 1 of 1,614,074 alleles (0.000062%); no homozygotes.

Submissions 1 to 10 of 24:

OLLIN Analises Genomicas, OLLIN
Classification: Pathogenic for Noonan syndrome 8. Last evaluated: 2026-08-06. Review status: criteria provided, single submitter. Criteria: ACMG Guidelines 2015 PMID 25741868. Collection method: clinical testing. Allele origin: de novo. Inheritance: Autosomal dominant inheritance.
Comment: This missense variant, located in exon 5 (of 6), has been reported in ClinVar (accession VCV000060509.49), in gnomAD with an allele frequency of 0.000062%, and in the scientific literature, also being identified de novo, in individuals with RIT1 related disorders (PMID: 29493581, 23791108, 26714497, 25124994). In silico analysis predicts that this variant has a deleterious effect. This gene is constrained for missense variation. According to the currently available evidence, this variant has been classified as pathogenic (PS2_VS, PS4, PP2, PP3).

Labcorp Genetics (formerly Invitae), Labcorp
Classification: Pathogenic for Noonan syndrome 8. Last evaluated: 2025-12-11. Review status: criteria provided, single submitter. Criteria: Invitae Variant Classification Sherloc (09022015). Collection method: clinical testing. Allele origin: germline.
Comment: This sequence change replaces glycine, which is neutral and non-polar, with alanine, which is neutral and non-polar, at codon 95 of the RIT1 protein (p.Gly95Ala). This variant is not present in population databases (gnomAD no frequency). This missense change has been observed in individual(s) with Noonan syndrome (PMID: 2439608, 23791108, 25049390, 25124994, 26714497, 26757980, 27101134, 27109146). In at least one individual the variant was observed to be de novo. It has also been observed to segregate with disease in related individuals. ClinVar contains an entry for this variant (Variation ID: 60509). Invitae Evidence Modeling of protein sequence and biophysical properties (such as structural, functional, and spatial information, amino acid conservation, physicochemical variation, residue mobility, and thermodynamic stability) indicates that this missense variant is expected to disrupt RIT1 protein function with a positive predictive value of 95%. Experimental studies are conflicting or provide insufficient evidence to determine the effect of this variant on RIT1 function (PMID: 23791108, 25049390, 27226556). For these reasons, this variant has been classified as Pathogenic.

3billion
Classification: Pathogenic for Noonan syndrome 8. Last evaluated: 2025-11-03. Review status: criteria provided, single submitter. Criteria: ACMG Guidelines, 2015. Collection method: clinical testing. Allele origin: germline. Affected: yes.
Comment: The variant is observed at an extremely low frequency in the gnomAD v4.1.0 dataset (total allele frequency: <0.001%). Predicted Consequence/Location: Missense variant. Missense changes are a common disease-causing mechanism. In silico tool predictions suggest damaging effect of the variant on gene or gene product [REVEL: 0.78 (>=0.6, sensitivity 0.68 and specificity 0.92); 3Cnet: 0.99 (> 0.75, sensitivity 0.96 and precision 0.92)]. The same nucleotide change resulting in the same amino acid change has been previously reported as pathogenic/likely pathogenic with strong evidence (ClinVar ID: VCV000060509 /PMID: 23791108 /3billion dataset). The variant has been previously reported as de novo in at least two similarly affected unrelated individuals (PMID: 23791108, 26714497). The variant has been observed in multiple (>3) similarly affected unrelated individuals (PMID: 23791108, 26714497). Therefore, this variant is classified as Pathogenic according to the recommendation of ACMG/AMP guideline.

Blueprint Genetics
Classification: Pathogenic for RIT1-related disorders. Last evaluated: 2024-10-31. Review status: criteria provided, single submitter. Criteria: ACMG Guidelines, 2015. Collection method: clinical testing. Allele origin: de novo. Affected: yes. Observed: 5 variant alleles.

Genome-Nilou Lab
Classification: Pathogenic for Noonan syndrome 8. Last evaluated: 2023-04-11. Review status: criteria provided, single submitter. Criteria: ACMG Guidelines, 2015. Collection method: clinical testing. Allele origin: germline. Affected: no.

Center for Genomics, Ann and Robert H. Lurie Children's Hospital of Chicago
Classification: Pathogenic for Noonan syndrome 8. Last evaluated: 2022-08-16. Review status: criteria provided, single submitter. Criteria: ACMG Guidelines, 2015. Collection method: clinical testing. Allele origin: germline.
Comment: RIT1 NM_006912.5 exon 5 p.Gly95Ala (c.284G>C): This variant has been reported in the literature in at least 11 individuals with Noonan syndrome (Aoki 2013 PMID:23791108, Chen 2013 PMID:25049390, Bertola 2014 PMID:25124994, Gos 2014 PMID:24939608, MilosavljeviÃ„â€¡ 2016 PMID:27109146); two of these individuals were identified as de novo (Aoki 2013 PMID:23791108). This variant was also reported in at least 2 additional individuals with features of a RAS-opathy (Yaoita 2016 PMID:26714497) as de novo. This variant is not present in large control databases but is present in ClinVar with several labs classifying this variant as pathogenic (Variation ID:60509). Evolutionary conservation and computational predictive tools support that this variant may impact the protein. In-vivo functional studies in zebrafish also support a deleterious effect of this variant (Aoki 2013 PMID:23791108). In summary, this variant is classified as pathogenic.

GeneDx
Classification: Pathogenic. Last evaluated: 2022-08-08. Review status: criteria provided, single submitter. Criteria: GeneDx Variant Classification Process June 2021. Collection method: clinical testing. Allele origin: germline. Affected: yes.
Comment: Published functional studies demonstrate increased activity of the RIT1 protein compared to wild type (PMID: 23791108); Reported previously in association with Noonan spectrum disorders (PMID: 24939608); Not observed at significant frequency in large population cohorts (gnomAD); In silico analysis supports that this missense variant has a deleterious effect on protein structure/function; This variant is associated with the following publications: (PMID: 27109146, 25959749, 25124994, 25049390, 26757980, 26446362, 27226556, 24803665, 26714497, 23791108, 27101134, 34643321, 35904599, 24939608)

Victorian Clinical Genetics Services, Murdoch Childrens Research Institute
Classification: Pathogenic for Noonan syndrome 8. Last evaluated: 2022-02-02. Review status: criteria provided, single submitter. Criteria: ACMG Guidelines, 2015. Collection method: clinical testing. Allele origin: germline. Inheritance: Autosomal dominant inheritance. Affected: yes.
Comment: Based on the classification scheme VCGS_Germline_v1.3.4, this variant is classified as Pathogenic. Following criteria are met: 0101 - Gain of function is a known mechanism of disease in this gene and is associated with Noonan syndrome (MIM#615335). Disease-causing variants have been shown to result in increased phosphorylation of ERK1/2, increased transactivation of ELK1, and enhanced protein complex formation (PMID: 23791108, 29734338). (I) 0107 - This gene is associated with autosomal dominant disease. (I) 0200 - Variant is predicted to result in a missense amino acid change from glycine to alanine. (I) 0251 - This variant is heterozygous. (I) 0301 - Variant is absent from gnomAD (both v2 and v3). (SP) 0502 - Missense variant with conflicting in silico predictions and uninformative conservation. (I) 0601 - Variant is located in the well-established functional Switch II domain. The Switch II domain is involved in protein-protein interactions, and pathogenic variants in this domain result in enhanced protein complex formation (PMID: 29734338). (SP) 0801 - This variant has strong previous evidence of pathogenicity in unrelated individuals. This variant has been described as pathogenic in many individuals with Noonan syndrome (ClinVar, LOVD, PMID: 23791108, 26714497). (SP) 1002 - This variant has moderate functional evidence supporting abnormal protein function. In vitro studies show that this variant results in in increased phosphorylation of ERK1/2, increased transactivation of ELK1, and enhanced protein complex formation (PMID: 23791108, 29734338). (SP) Legend: (SP) - Supporting pathogenic, (I) - Information, (SB) - Supporting benign

Department of Maternal-Fetal Biology, National Research Institute for Child Health and Development
Classification: Pathogenic for Noonan syndrome 8. Last evaluated: 2022-01-01. Review status: criteria provided, single submitter. Criteria: ACMG Guidelines, 2015. Collection method: research. Allele origin: de novo. Affected: yes. Observed: 1 variant allele.

Revvity Omics, Revvity
Classification: Pathogenic for Noonan syndrome 8. Last evaluated: 2021-04-23. Review status: criteria provided, single submitter. Criteria: ACMG Guidelines, 2015. Collection method: clinical testing. Allele origin: germline.

NM_006912.6(RIT1):c.284G>C (p.Gly95Ala)

Gene: RIT1 (Ras like without CAAX 1; minus strand). Cytogenetic location: 1q22.
Variant type: single nucleotide variant.
Coding change: c.284G>C on transcript NM_006912.6 (MANE Select); coding-DNA position 284, G replaced by C.
Protein change: p.Gly95Ala; replaces glycine 95 with alanine.
Molecular consequence: missense variant.
Genome position (GRCh38, 1-based): chr1:155,904,456, C>G on the plus strand (G>C on the coding strand, the complement: RIT1 is on the minus strand). VCF-style: chr1-155904456-C-G. GRCh37 (hg19) VCF-style: chr1-155874247-C-G.
Other names: c.176G>C, p.Gly59Ala (NM_001256820.2); c.335G>C, p.Gly112Ala (NM_001256821.2); c.176G>C (NM_001256820.1); c.284G>C (NM_006912.4); short protein forms G95A, G112A, G59A.
Identifiers: ClinVar variation 60509 (VCV000060509.51), dbSNP rs672601335, ClinGen allele CA144538.